The following is an entry in ClinVar:

ClinVar aggregate classification (germline): Uncertain significance. Review status: criteria provided, multiple submitters, no conflicts (2 of 4 stars). 2 submissions from 2 submitters: Uncertain significance (2). Last evaluated 2023-11-01.

Conditions:
Creatine transporter deficiency (CCDS1). Also called: Creatine Transporter (CRTR) Deficiency; Mental retardation , X-linked with seizures, short stature and midface hypoplasia; Mental retardation , X-linked, with creatine transport deficiency; X-linked creatine transporter deficiency; X-linked creatine deficiency syndrome; SLC6A8-Related Creatine Transporter Deficiency. Identifiers: Orphanet 52503, MedGen C1845862, MONDO:0010305, OMIM 300352.

Submissions (2):

GeneDx
Classification: Uncertain significance. Last evaluated: 2023-11-01. Review status: criteria provided, single submitter. Criteria: GeneDx Variant Classification Process June 2021. Collection method: clinical testing. Allele origin: germline. Affected: yes.
Comment: Not observed at significant frequency in large population cohorts (gnomAD); In silico analysis supports that this missense variant has a deleterious effect on protein structure/function; In silico analysis suggests this variant may impact gene splicing. In the absence of RNA/functional studies, the actual effect of this sequence change is unknown.; Has not been previously published as pathogenic or benign to our knowledge

Labcorp Genetics (formerly Invitae), Labcorp
Classification: Uncertain significance for Creatine transporter deficiency. Last evaluated: 2023-07-20. Review status: criteria provided, single submitter. Criteria: Invitae Variant Classification Sherloc (09022015). Collection method: clinical testing. Allele origin: germline.
Comment: This sequence change replaces glutamic acid, which is acidic and polar, with aspartic acid, which is acidic and polar, at codon 109 of the SLC6A8 protein (p.Glu109Asp). This variant is not present in population databases (gnomAD no frequency). This variant has not been reported in the literature in individuals affected with SLC6A8-related conditions. Advanced modeling of protein sequence and biophysical properties (such as structural, functional, and spatial information, amino acid conservation, physicochemical variation, residue mobility, and thermodynamic stability) has been performed at Invitae for this missense variant, however the output from this modeling did not meet the statistical confidence thresholds required to predict the impact of this variant on SLC6A8 protein function. Algorithms developed to predict the effect of sequence changes on RNA splicing suggest that this variant may create or strengthen a splice site. In summary, the available evidence is currently insufficient to determine the role of this variant in disease. Therefore, it has been classified as a Variant of Uncertain Significance.

NM_005629.4(SLC6A8):c.327G>T (p.Glu109Asp)

Gene: SLC6A8 (solute carrier family 6 member 8; plus strand). Cytogenetic location: Xq28.
Variant type: single nucleotide variant.
Coding change: c.327G>T on transcript NM_005629.4 (MANE Select); coding-DNA position 327, G replaced by T.
Protein change: p.Glu109Asp; replaces glutamic acid 109 with aspartic acid.
Molecular consequence: missense variant. On other transcripts: 5 prime UTR variant (1).
Genome position (GRCh38, 1-based): chrX:153,690,439, G>T. VCF-style: chrX-153690439-G-T. GRCh37 (hg19) VCF-style: chrX-152955894-G-T.
Other names: c.327G>T (NM_005629.3); c.327G>T, p.Glu109Asp (NM_001142805.2); c.-19G>T (NM_001142806.1); short protein forms E109D.
Identifiers: ClinVar variation 2745591 (VCV002745591.4), dbSNP rs2522152365, ClinGen allele CA415077650.